The following is an entry in ClinVar:

NM_024570.4(RNASEH2B):c.25G>C (p.Asp9His)

Genes: RNASEH2B (ribonuclease H2 subunit B; plus strand), RNASEH2B-AS1 (RNASEH2B antisense RNA 1; minus strand), LOC130009810 (ATAC-STARR-seq lymphoblastoid silent region 5362; plus strand). Cytogenetic location: 13q14.3.
Variant type: single nucleotide variant.
Coding change: c.25G>C on transcript NM_024570.4 (MANE Select); coding-DNA position 25, G replaced by C.
Protein change: p.Asp9His; replaces aspartic acid 9 with histidine.
Molecular consequence: missense variant.
Genome position (GRCh38, 1-based): chr13:50,910,101, G>C. VCF-style: chr13-50910101-G-C. GRCh37 (hg19) VCF-style: chr13-51484237-G-C.
Other names: c.25G>C, p.Asp9His (NM_001142279.2); short protein forms D9H.
Identifiers: ClinVar variation 1041906 (VCV001041906.2), dbSNP rs1879259645, ClinGen allele CA388258399.

ClinVar aggregate classification (germline): Uncertain significance (1 of 4 stars; one submission).

Conditions:
Aicardi-Goutieres syndrome 2. Identifiers: Orphanet 51, MedGen C3489724, MONDO:0012429, OMIM 610181.

Allele frequency attached by ClinVar (database versions not stated): TOPMed below 0.00001.
gnomAD v4.1: 2 of 1,463,046 alleles (0.00014%); highest among the groups gnomAD compares: Non-Finnish European, 0.00018%; no homozygotes.

Submission:

Labcorp Genetics (formerly Invitae), Labcorp
Classification: Uncertain significance for Aicardi-Goutieres syndrome 2. Last evaluated: 2021-09-02. Review status: criteria provided, single submitter. Criteria: Invitae Variant Classification Sherloc (09022015). Collection method: clinical testing. Allele origin: germline.
Comment: This sequence change replaces aspartic acid with histidine at codon 9 of the RNASEH2B protein (p.Asp9His). The aspartic acid residue is weakly conserved and there is a moderate physicochemical difference between aspartic acid and histidine. The frequency data for this variant in the population databases is considered unreliable, as metrics indicate insufficient coverage at this position in the ExAC database. This variant has not been reported in the literature in individuals affected with RNASEH2B-related conditions. Algorithms developed to predict the effect of missense changes on protein structure and function are either unavailable or do not agree on the potential impact of this missense change (SIFT: "Tolerated"; PolyPhen-2: "Not Available"; Align-GVGD: "Class C0"). In summary, the available evidence is currently insufficient to determine the role of this variant in disease. Therefore, it has been classified as a Variant of Uncertain Significance.